The following is an entry in ClinVar:

NM_000138.5(FBN1):c.5513G>C (p.Gly1838Ala)

Gene: FBN1 (fibrillin 1; minus strand). Cytogenetic location: 15q21.1.
Variant type: single nucleotide variant.
Coding change: c.5513G>C on transcript NM_000138.5 (MANE Select); coding-DNA position 5513, G replaced by C.
Protein change: p.Gly1838Ala; replaces glycine 1838 with alanine.
Molecular consequence: missense variant.
Genome position (GRCh38, 1-based): chr15:48,452,594, C>G on the plus strand (G>C on the coding strand, the complement: FBN1 is on the minus strand). VCF-style: chr15-48452594-C-G. GRCh37 (hg19) VCF-style: chr15-48744791-C-G.
Other names: short protein forms G1838A.
Identifiers: ClinVar variation 1205772 (VCV001205772.3), dbSNP rs78970689, ClinGen allele CA269537718.

ClinVar aggregate classification (germline): Uncertain significance (1 of 4 stars; one submission).

Submission:

GeneDx
Classification: Uncertain significance. Last evaluated: 2020-08-24. Review status: criteria provided, single submitter. Criteria: GeneDx Variant Classification Process June 2021. Collection method: clinical testing. Allele origin: germline. Affected: yes.
Comment: Has not been previously published as pathogenic or benign to our knowledge; Not observed in large population cohorts (Lek et al., 2016); In silico analysis, which includes protein predictors and evolutionary conservation, supports a deleterious effect; Although located in a calcium-binding EGF-like domain of the FBN1 gene, it does not affect a cysteine residue within this domain; cysteine substitutions in the calcium-binding EGF-like domains represent the majority of pathogenic missense changes associated with FBN1-related disorders (Collod-Beroud et al., 2003)